The following is an entry in ClinVar:

ClinVar aggregate classification (germline): Uncertain significance (1 of 4 stars; one submission).

gnomAD v4.1: 2 of 1,614,092 alleles (0.00012%); highest among the groups gnomAD compares: Non-Finnish European, 0.00017%; no homozygotes.

Submission:

GeneDx
Classification: Uncertain significance. Last evaluated: 2026-03-31. Review status: criteria provided, single submitter. Criteria: GeneDx Variant Classification Process June 2021. Collection method: clinical testing. Allele origin: germline.
Comment: Not observed at significant frequency in large population cohorts (gnomAD); In silico analysis suggests that this missense variant does not alter protein structure/function; Has not been previously published as pathogenic or benign to our knowledge

NM_001360.3(DHCR7):c.46G>C (p.Asp16His)

Gene: DHCR7 (7-dehydrocholesterol reductase; minus strand). Cytogenetic location: 11q13.4.
Variant type: single nucleotide variant.
Coding change: c.46G>C on transcript NM_001360.3 (MANE Select); coding-DNA position 46, G replaced by C.
Protein change: p.Asp16His; replaces aspartic acid 16 with histidine.
Molecular consequence: missense variant. On other transcripts: 5 prime UTR variant (1).
Genome position (GRCh38, 1-based): chr11:71,444,907, C>G on the plus strand (G>C on the coding strand, the complement: DHCR7 is on the minus strand). VCF-style: chr11-71444907-C-G. GRCh37 (hg19) VCF-style: chr11-71155953-C-G.
Other names: c.46G>C, p.Asp16His (NM_001163817.2, NM_001425118.1, NM_001425119.1 and 11 more transcripts); c.-200G>C (NM_001425117.1); short protein forms D16H.
Identifiers: ClinVar variation 5016920 (VCV005016920.1).